The following is an entry in ClinVar:

NM_000348.4(SRD5A2):c.692A>G (p.His231Arg)

Gene: SRD5A2 (steroid 5 alpha-reductase 2; minus strand). Cytogenetic location: 2p23.1.
Variant type: single nucleotide variant.
Coding change: c.692A>G on transcript NM_000348.4 (MANE Select); coding-DNA position 692, A replaced by G.
Protein change: p.His231Arg; replaces histidine 231 with arginine.
Molecular consequence: missense variant.
Genome position (GRCh38, 1-based): chr2:31,529,313, T>C on the plus strand (A>G on the coding strand, the complement: SRD5A2 is on the minus strand). VCF-style: chr2-31529313-T-C. GRCh37 (hg19) VCF-style: chr2-31754383-T-C.
Other names: short protein forms H231R.
Identifiers: ClinVar variation 3346 (VCV000003346.16), dbSNP rs121434251, ClinGen allele CA340081.

ClinVar aggregate classification (germline): Pathogenic/Likely pathogenic. Review status: criteria provided, multiple submitters, no conflicts (2 of 4 stars). 9 submissions from 9 submitters: Pathogenic (3); Likely pathogenic (1). 5 of the submissions do not count toward it. Last evaluated 2026-09-25.

Conditions:
Fetal anomalies with a likely genetic cause.
SRD5A2-related disorder. Also called: SRD5A2-related condition.
3-Oxo-5 alpha-steroid delta 4-dehydrogenase deficiency (PPSH). Also called: PSEUDOVAGINAL PERINEOSCROTAL HYPOSPADIAS; FAMILIAL INCOMPLETE MALE PSEUDOHERMAPHRODITISM, TYPE 2; 46,XY disorder of sex development due to 5-alpha-reductase 2 deficiency; MALE PSEUDOHERMAPHRODITISM DUE TO 5-ALPHA-REDUCTASE DEFICIENCY. Identifiers: Orphanet 753, MedGen C0268297, MONDO:0009923, OMIM 264600. Disease mechanism: loss of function.

Allele frequency attached by ClinVar (database versions not stated): gnomAD exomes 0.00015 and 0.00031; TOPMed 0.00015; ExAC 0.00016; gnomAD 0.00016.
gnomAD v4.1: 460 of 1,613,614 alleles (0.029%); highest among the groups gnomAD compares: Non-Finnish European, 0.038%; no homozygotes.

Submissions (9):

Genetics Laboratory, Great Ormond Street Hospital NHS Foundation Trust, North Thames Genomic Laboratory Hub
Classification: Likely pathogenic for Fetal anomalies with a likely genetic cause. Last evaluated: 2026-09-25. Review status: criteria provided, single submitter. Criteria: ACGS Best Practice Guidelines for Variant Classification in Rare Disease 2024 v1.2. Collection method: clinical testing. Allele origin: germline. Affected: yes.
Comment: PM2_moderate, PS3_supporting, PM3_strong

Labcorp Genetics (formerly Invitae), Labcorp
Classification: Pathogenic for 3-Oxo-5 alpha-steroid delta 4-dehydrogenase deficiency. Last evaluated: 2026-01-19. Review status: criteria provided, single submitter. Criteria: Invitae Variant Classification Sherloc (09022015). Collection method: clinical testing. Allele origin: germline.
Comment: This sequence change replaces histidine, which is basic and polar, with arginine, which is basic and polar, at codon 231 of the SRD5A2 protein (p.His231Arg). This variant is present in population databases (rs121434251, gnomAD 0.03%). This missense change has been observed in individual(s) with 5 alpha-reductase 2 deficiency (PMID: 1522235, 7608269, 8706317, 8723114, 9745434, 27899157, 28544750). It has also been observed to segregate with disease in related individuals. ClinVar contains an entry for this variant (Variation ID: 3346). Invitae Evidence Modeling of protein sequence and biophysical properties (such as structural, functional, and spatial information, amino acid conservation, physicochemical variation, residue mobility, and thermodynamic stability) has been performed for this missense variant. However, the output from this modeling did not meet the statistical confidence thresholds required to predict the impact of this variant on SRD5A2 protein function. Experimental studies have shown that this missense change affects SRD5A2 function (8110760.1522235). For these reasons, this variant has been classified as Pathogenic.

Blueprint Genetics
Classification: Pathogenic for SRD5A2-related disorders. Last evaluated: 2024-01-08. Review status: criteria provided, single submitter. Criteria: ACMG Guidelines, 2015. Collection method: clinical testing. Allele origin: germline. Affected: yes. Observed: 5 variant alleles.

GeneDx
Classification: Pathogenic. Last evaluated: 2020-07-15. Review status: criteria provided, single submitter. Criteria: GeneDx Variant Classification Process June 2021. Collection method: clinical testing. Allele origin: germline. Affected: yes.
Comment: Published functional studie demonstrates reduced testosterone binding (Wigley et al., 1994); Not observed in large population cohorts (Lek et al., 2016); Missense variants in this gene are often considered pathogenic (Stenson et al., 2014); In silico analysis supports that this missense variant has a deleterious effect on protein structure/function; This variant is associated with the following publications: (PMID: 28544750, 28110336, 1522235, 7608269, 10458450, 9745434, 8784107, 8110760, 21402750)

Genetic Services Laboratory, University of Chicago
Classification: Pathogenic. Last evaluated: 2022-09-01. Review status: no assertion criteria provided. Collection method: clinical testing. Allele origin: germline. Affected: yes. Not counted in ClinVar's aggregate classification.
Comment: DNA sequence analysis of the SRD5A2 gene demonstrated two sequence changes. The first sequence change, c.692A>G, is located in exon 4 and results in an amino acid change, p.His231Arg. The p.His231Arg change affects a highly conserved amino acid residue located in a domain of the SRD5A2 protein that is known to be functional. In-silico pathogenicity prediction tools (SIFT, PolyPhen2, Align GVGD, REVEL) provide contradictory results for the p.His231Arg substitution. This pathogenic sequence change has previously been described in individuals with SRD5A2-related disorders in the homozygous or compound heterozygous state (PMID: 27899157, 8706317, 9745434, 1522235). This sequence change has been described in the gnomAD database with a frequency of 0.03% in the European subpopulation (dbSNP rs121434251). These collective evidences indicate that this sequence change is pathogenic.

Clinical Molecular Genetics Laboratory, Johns Hopkins All Children's Hospital
Classification: Pathogenic for 3-Oxo-5 alpha-steroid delta 4-dehydrogenase deficiency. Last evaluated: 2017-06-12. Review status: no assertion criteria provided. Collection method: clinical testing. Allele origin: germline. Affected: yes. Not counted in ClinVar's aggregate classification.

OMIM
Classification: Pathogenic for PSEUDOVAGINAL PERINEOSCROTAL HYPOSPADIAS. Last evaluated: 1998-09-01. Review status: no assertion criteria provided. Collection method: literature only. Allele origin: germline. Not counted in ClinVar's aggregate classification.

Clinical Genetics DNA and cytogenetics Diagnostics Lab, Erasmus MC, Erasmus Medical Center
Classification: Pathogenic. Review status: no assertion criteria provided. Collection method: clinical testing. Allele origin: germline. Affected: yes. Study: VKGL Data-share Consensus. Not counted in ClinVar's aggregate classification.

Genome Diagnostics Laboratory, Amsterdam University Medical Center
Classification: Pathogenic. Review status: no assertion criteria provided. Collection method: clinical testing. Allele origin: germline. Affected: yes. Study: VKGL Data-share Consensus. Not counted in ClinVar's aggregate classification.

Literature cited by the submitters: PubMed 1522235 (cited by Labcorp Genetics (formerly Invitae), Labcorp); PubMed 7608269 (cited by Labcorp Genetics (formerly Invitae), Labcorp); PubMed 8706317 (cited by Labcorp Genetics (formerly Invitae), Labcorp); PubMed 8723114 (cited by Labcorp Genetics (formerly Invitae), Labcorp); PubMed 9745434 (cited by Labcorp Genetics (formerly Invitae), Labcorp and OMIM); PubMed 27899157 (cited by Labcorp Genetics (formerly Invitae), Labcorp); PubMed 28544750 (cited by Labcorp Genetics (formerly Invitae), Labcorp).